The following is an entry in ClinVar:

NM_014283.5(SUCO):c.767C>T (p.Pro256Leu)

Gene: SUCO (SUN domain containing ossification factor; plus strand). Cytogenetic location: 1q24.3.
Variant type: single nucleotide variant.
Coding change: c.767C>T on transcript NM_014283.5 (MANE Select); coding-DNA position 767, C replaced by T.
Protein change: p.Pro256Leu; replaces proline 256 with leucine.
Molecular consequence: missense variant. On other transcripts: 5 prime UTR variant (1).
Genome position (GRCh38, 1-based): chr1:172,569,053, C>T. VCF-style: chr1-172569053-C-T. GRCh37 (hg19) VCF-style: chr1-172538193-C-T.
Other names: c.1241C>T, p.Pro414Leu (NM_016227.4); c.656C>T, p.Pro219Leu (NM_001282750.2); c.-763C>T (NM_001282751.2); short protein forms P219L, P256L, P414L.
Identifiers: ClinVar variation 2710899 (VCV002710899.3), dbSNP rs751016369, ClinGen allele CA1246641.

ClinVar aggregate classification (germline): Uncertain significance (1 of 4 stars; one submission).

Allele frequency attached by ClinVar (database versions not stated): ExAC 0.00002; TOPMed 0.00002; gnomAD 0.00003; gnomAD exomes 0.00003.
gnomAD v4.1: 41 of 1,599,210 alleles (0.0026%); highest among the groups gnomAD compares: Non-Finnish European, 0.0034%; no homozygotes.

Submission:

Labcorp Genetics (formerly Invitae), Labcorp
Classification: Uncertain significance. Last evaluated: 2025-08-18. Review status: criteria provided, single submitter. Criteria: Invitae Variant Classification Sherloc (09022015). Collection method: clinical testing. Allele origin: germline.
Comment: This sequence change replaces proline, which is neutral and non-polar, with leucine, which is neutral and non-polar, at codon 256 of the SUCO protein (p.Pro256Leu). This variant is present in population databases (rs751016369, gnomAD 0.004%). This variant has not been reported in the literature in individuals affected with SUCO-related conditions. ClinVar contains an entry for this variant (Variation ID: 2710899). An algorithm developed to predict the effect of missense changes on protein structure and function (PolyPhen-2) suggests that this variant is likely to be tolerated. In summary, the available evidence is currently insufficient to determine the role of this variant in disease. Therefore, it has been classified as a Variant of Uncertain Significance.